The following is an entry in ClinVar:

NM_007294.4(BRCA1):c.2241dup (p.Lys748fs)

Gene: BRCA1 (BRCA1 DNA repair associated; minus strand). Cytogenetic location: 17q21.31.
Variant type: Duplication.
Coding change: c.2241dup on transcript NM_007294.4 (MANE Select); coding-DNA position 2241, one base duplicated (C; older notation c.2241dupC).
Protein change: p.Lys748fs; shifts the reading frame from lysine 748.
Molecular consequence: frameshift variant. On other transcripts: intron variant (137).
Genome position (GRCh38, 1-based): chr17:43,093,290, G duplicated on the plus strand (C on the coding strand, the reverse complement: BRCA1 is on the minus strand); the first of 4 consecutive G bases (chr17:43,093,290-43,093,293); duplicating any one gives the same sequence. VCF-style (leftmost placement, unchanged base first): chr17-43093289-T-TG. GRCh37 (hg19) VCF-style: chr17-41245306-T-TG.
Other names: 2360insC; c.2241dupC (NM_007294.3); c.2028dup, p.Lys677fs (NM_001407571.1, NM_001407853.1, NM_001407894.1 and 9 more transcripts); c.2241dup, p.Lys748fs (NM_001407581.1, NM_001407582.1, NM_001407583.1 and 30 more transcripts); c.2238dup, p.Lys747fs (NM_001407587.1, NM_001407590.1, NM_001407591.1 and 22 more transcripts); c.2163dup, p.Lys722fs (NM_001407657.1, NM_001407658.1, NM_001407663.1 and 4 more transcripts); c.2160dup, p.Lys721fs (NM_001407659.1, NM_001407660.1, NM_001407661.1 and 1 more transcripts); c.2118dup, p.Lys707fs (NM_001407664.1, NM_001407675.1, NM_001407676.1 and 19 more transcripts); and 43 more; short protein forms K748fs, K701fs, K580fs, K621fs, K637fs, K678fs, K680fs, K681fs.
Identifiers: ClinVar variation 54511 (VCV000054511.14), dbSNP rs80357650, ClinGen allele CA001499.

ClinVar aggregate classification (germline): Pathogenic. Review status: reviewed by expert panel (3 of 4 stars). 8 submissions from 8 submitters: Pathogenic (1). 7 of the submissions do not count toward it. Last evaluated 2016-09-08.

Conditions:
Familial cancer of breast. Also called: hereditary breast carcinoma; Hereditary breast cancer; BREAST CANCER, FAMILIAL. Identifiers: Orphanet 227535, MedGen C0346153, MONDO:0016419, OMIM 114480. Disease mechanism: loss of function.
Breast-ovarian cancer, familial, susceptibility to, 1 (BROVCA1). Also called: BRCA1 Hereditary Breast and Ovarian Cancer; OVARIAN CANCER, SUSCEPTIBILITY TO. Identifiers: Orphanet 145, MedGen C2676676, MONDO:0011450, OMIM 604370. Disease mechanism: loss of function.
Fanconi anemia, complementation group S (FANCS). Identifiers: MedGen C4554406, MONDO:0054748, OMIM 617883.
Hereditary cancer-predisposing syndrome. Also called: Neoplastic Syndromes, Hereditary; Hereditary neoplastic syndrome; Hereditary Cancer Syndrome; Tumor predisposition. Identifiers: Orphanet 140162, MedGen C0027672, MeSH D009386, MONDO:0015356.
Hereditary breast ovarian cancer syndrome. Also called: BRCA1- and BRCA2-Associated Hereditary Breast and Ovarian Cancer; Hereditary breast and ovarian cancer syndrome (HBOC); Hereditary breast and ovarian cancer syndrome; Hereditary breast and/or ovarian cancer syndrome; Breast and ovarian cancer; Hereditary breast and ovarian cancer. Identifiers: Orphanet 145, MedGen C0677776, MeSH D061325, MONDO:0003582. Disease mechanism: loss of function.

Submissions (8):

Evidence-based Network for the Interpretation of Germline Mutant Alleles (ENIGMA)
Classification: Pathogenic for Breast-ovarian cancer, familial, susceptibility to, 1. Last evaluated: 2016-09-08. Review status: reviewed by expert panel. Criteria: ENIGMA BRCA1/2 Classification Criteria (2015). Collection method: curation. Allele origin: germline.
Comment: Variant allele predicted to encode a truncated non-functional protein.

Ambry Genetics
Classification: Pathogenic for Hereditary cancer-predisposing syndrome. Last evaluated: 2026-06-30. Review status: criteria provided, single submitter. Criteria: Ambry Variant Classification Scheme 2023. Collection method: clinical testing. Allele origin: germline. Not counted in ClinVar's aggregate classification.
Comment: The c.2241dupC pathogenic mutation, located in coding exon 9 of the BRCA1 gene, results from a duplication of C at nucleotide position 2241, causing a translational frameshift with a predicted alternate stop codon (p.K748Qfs*14). This variant is considered to be rare based on population cohorts in the Genome Aggregation Database (gnomAD). This alteration is expected to result in loss of function by premature protein truncation or nonsense-mediated mRNA decay. As such, this alteration is interpreted as a disease-causing mutation.

Color Diagnostics, LLC DBA Color Health
Classification: Pathogenic for Hereditary cancer-predisposing syndrome. Last evaluated: 2020-05-11. Review status: criteria provided, single submitter. Criteria: ACMG Guidelines, 2015. Collection method: clinical testing. Allele origin: germline. Not counted in ClinVar's aggregate classification.
Comment: This variant duplicates 1 nucleotide in exon 10 of the BRCA1 gene, creating a frameshift and premature translation stop signal. This variant is expected to result in an absent or non-functional protein product. To our knowledge, this variant has been reported in one individual affected with breast, ovary and colon cancer (PMID: 20567915) and one individual referred to BRCA1/2 genetic test (PMID: 28263838). This variant has not been identified in the general population by the Genome Aggregation Database (gnomAD). Loss of BRCA1 function is a known mechanism of disease. Based on the available evidence, this variant is classified as Pathogenic.

GeneKor MSA
Classification: Pathogenic for Hereditary Breast Carcinoma. Last evaluated: 2020-01-01. Review status: criteria provided, single submitter. Criteria: ACMG Guidelines, 2015. Collection method: clinical testing. Allele origin: germline. Affected: yes. Not counted in ClinVar's aggregate classification.
Comment: This sequence change is an insertion of 1 nucleotide in exon 11 of BRCA1 mRNA (c.2241dupC), causing a frameshift after codon 748 and the creation of a premature translation stop signal 14 amino acid residues later (p.Lys748Glnfs*14). This is expected to result in an absent or disrupted protein product. Truncating variants in BRCA1 are known to be pathogenic. This particular variant has been described in the international bibliography in an individual with a personal and family history of breast and/or ovarian cancer (PMID: 20567915) and listed in the mutation database ClinVar (Variation ID: 54511)

Department of Pathology and Laboratory Medicine, Sinai Health System
Classification: Pathogenic for Familial cancer of breast; Breast-ovarian cancer, familial, susceptibility to, 1; Fanconi anemia, complementation group S. Last evaluated: 2019-12-27. Review status: criteria provided, single submitter. Criteria: ACMG Guidelines, 2015. Collection method: clinical testing. Allele origin: germline. Affected: no. Not counted in ClinVar's aggregate classification.

Labcorp Genetics (formerly Invitae), Labcorp
Classification: Pathogenic for Hereditary breast ovarian cancer syndrome. Last evaluated: 2016-12-06. Review status: criteria provided, single submitter. Criteria: Invitae Variant Classification Sherloc (09022015). Collection method: clinical testing. Allele origin: germline. Not counted in ClinVar's aggregate classification.
Comment: This sequence change inserts 1 nucleotide in exon 10 of the BRCA1 mRNA (c.2241dupC), causing a frameshift at codon 748. This creates a premature translational stop signal (p.Lys748Glnfs*14) and is expected to result in an absent or disrupted protein product. For these reasons, this variant has been classified as Pathogenic. Loss-of-function variants in BRCA1 are known to be pathogenic. This particular variant has been reported in the literature in two siblings who developed multiple cancers, one with ovarian and breast cancer, and the other with ovarian and colon cancer (PMID: 20567915).

Consortium of Investigators of Modifiers of BRCA1/2 (CIMBA), c/o University of Cambridge
Classification: Pathogenic for Breast-ovarian cancer, familial, susceptibility to, 1. Last evaluated: 2015-10-02. Review status: criteria provided, single submitter. Criteria: CIMBA Mutation Classification guidelines May 2016. Collection method: clinical testing. Allele origin: germline. Not counted in ClinVar's aggregate classification.

Sharing Clinical Reports Project (SCRP)
Classification: Pathogenic for Breast-ovarian cancer, familial 1. Last evaluated: 2006-11-17. Review status: no assertion criteria provided. Collection method: clinical testing. Allele origin: germline. Not counted in ClinVar's aggregate classification.

Literature cited by the submitters: PubMed 20567915 (cited by Department of Pathology and Laboratory Medicine, Sinai Health System and Labcorp Genetics (formerly Invitae), Labcorp).